The following is an entry in ClinVar:

ClinVar aggregate classification (germline): Uncertain significance (1 of 4 stars; one submission).

Conditions:
Kabuki syndrome 2 (KABUK2). Also called: KDM6A-Related Kabuki Syndrome. Identifiers: Orphanet 2322, MedGen C3275495, MONDO:0010465, OMIM 300867.

Allele frequency attached by ClinVar (database versions not stated): TOPMed below 0.00001; gnomAD 0.00001.
gnomAD v4.1: 1 of 1,176,317 alleles (0.000085%); highest among the groups gnomAD compares: Non-Finnish European, 0.00011%; no homozygotes.

Submission:

Labcorp Genetics (formerly Invitae), Labcorp
Classification: Uncertain significance for Kabuki syndrome 2. Last evaluated: 2022-10-08. Review status: criteria provided, single submitter. Criteria: Invitae Variant Classification Sherloc (09022015). Collection method: clinical testing. Allele origin: germline.
Comment: This variant is not present in population databases (gnomAD no frequency). In summary, the available evidence is currently insufficient to determine the role of this variant in disease. Therefore, it has been classified as a Variant of Uncertain Significance. Algorithms developed to predict the effect of missense changes on protein structure and function (SIFT, PolyPhen-2, Align-GVGD) all suggest that this variant is likely to be tolerated. This variant has not been reported in the literature in individuals affected with KDM6A-related conditions. This sequence change replaces arginine, which is basic and polar, with lysine, which is basic and polar, at codon 46 of the KDM6A protein (p.Arg46Lys).

NM_001291415.2(KDM6A):c.137G>A (p.Arg46Lys)

Gene: KDM6A (lysine demethylase 6A; plus strand). Cytogenetic location: Xp11.3.
Variant type: single nucleotide variant.
Coding change: c.137G>A on transcript NM_001291415.2 (MANE Select); coding-DNA position 137, G replaced by A.
Protein change: p.Arg46Lys; replaces arginine 46 with lysine.
Molecular consequence: missense variant. On other transcripts: 5 prime UTR variant (1), non-coding transcript variant (1).
Genome position (GRCh38, 1-based): chrX:44,873,688, G>A. VCF-style: chrX-44873688-G-A. GRCh37 (hg19) VCF-style: chrX-44732934-G-A.
Other names: c.137G>A, p.Arg46Lys (NM_001291416.2, NM_001291417.2, NM_001291418.2 and 2 more transcripts); c.-496G>A (NM_001291421.2); short protein forms R46K.
Identifiers: ClinVar variation 2003394 (VCV002003394.4), dbSNP rs2031089050, ClinGen allele CA413020362.
Genomic context (GRCh38, chrX:44,873,688, plus strand): 5'-CGGCGGGAAAAGCGAGCGGCGAGAGCGAGGAGGCGTCCCCCAGCCTGACAGCCGAGGAGA[G>A]GGAGGCGCTCGGCGGACTGGACAGGTACGGGCCGCCGTCACTCGCCCGGTCGGCTCCGGA-3'
Protein context (NP_001278344.1, residues 36-56): EASPSLTAEE[Arg46Lys]EALGGLDSRL